The following is an entry in ClinVar:

ClinVar aggregate classification (germline): Pathogenic/Likely pathogenic. Review status: criteria provided, multiple submitters, no conflicts (2 of 4 stars). 2 submissions from 2 submitters: Pathogenic (1); Likely pathogenic (1). Last evaluated 2024-04-16.

Conditions:
Xanthinuria type II. Also called: Xanthine dehydrogenase and aldehyde oxidase combined deficiency of; XDH and AOX dual deficiency. Identifiers: Orphanet 3467, Orphanet 93602, MedGen C1863688, MONDO:0011346, OMIM 603592.
Hereditary xanthinuria type 1 (XAN1). Identifiers: Orphanet 3467, Orphanet 93601, MedGen C0268118, MONDO:0010209, OMIM 278300.

Submissions (2):

Labcorp Genetics (formerly Invitae), Labcorp
Classification: Pathogenic for Xanthinuria type II. Last evaluated: 2024-04-16. Review status: criteria provided, single submitter. Criteria: Invitae Variant Classification Sherloc (09022015). Collection method: clinical testing. Allele origin: germline.
Comment: This sequence change creates a premature translational stop signal (p.Thr964Asnfs*21) in the XDH gene. It is expected to result in an absent or disrupted protein product. Loss-of-function variants in XDH are known to be pathogenic (PMID: 9153281). This variant is present in population databases (rs780681212, gnomAD 0.02%). This variant has not been reported in the literature in individuals affected with XDH-related conditions. For these reasons, this variant has been classified as Pathogenic.

Fulgent Genetics
Classification: Likely pathogenic for Hereditary xanthinuria type 1. Last evaluated: 2024-02-06. Review status: criteria provided, single submitter. Criteria: ACMG Guidelines, 2015. Collection method: clinical testing. Allele origin: germline.

Literature cited by the submitters: PubMed 9153281 (cited by Labcorp Genetics (formerly Invitae), Labcorp).

NM_000379.4(XDH):c.2890dup (p.Thr964fs)

Gene: XDH (xanthine dehydrogenase; minus strand). Cytogenetic location: 2p23.1.
Variant type: Duplication.
Coding change: c.2890dup on transcript NM_000379.4 (MANE Select); coding-DNA position 2890, one base duplicated (A; older notation c.2890dupA).
Protein change: p.Thr964fs; shifts the reading frame from threonine 964.
Molecular consequence: frameshift variant.
Genome position (GRCh38, 1-based): chr2:31,349,765, T duplicated on the plus strand (A on the coding strand, the reverse complement: XDH is on the minus strand). VCF-style (leftmost placement, unchanged base first): chr2-31349764-G-GT. GRCh37 (hg19) VCF-style: chr2-31572630-G-GT.
Other names: short protein forms T964fs.
Identifiers: ClinVar variation 3586448 (VCV003586448.3).